The following is an entry in ClinVar:

ClinVar aggregate classification (germline): Benign. Review status: criteria provided, multiple submitters, no conflicts (2 of 4 stars). 8 submissions from 8 submitters: Benign (6). 2 of the submissions do not count toward it. Last evaluated 2026-02-03.

Conditions:
Familial encephalopathy with neuroserpin inclusion bodies. Also called: ENCEPHALOPATHY, FAMILIAL, WITH COLLINS BODIES. Identifiers: Orphanet 85110, MedGen C1858680, MONDO:0011412, OMIM 604218.

Allele frequency attached by ClinVar (database versions not stated): gnomAD exomes 0.09457 and 0.10025; ExAC 0.09846; 1000 Genomes Project 0.11502; 1000 Genomes Project 30x 0.11540; ESP Exome Variant Server 0.12556; gnomAD 0.12706 and 0.13143; TOPMed 0.13094.
gnomAD v4.1: 157,503 of 1,613,452 alleles (9.8%); highest among the groups gnomAD compares: African/African-American, 21%; 8,686 homozygotes.

Submissions (8):

Labcorp Genetics (formerly Invitae), Labcorp
Classification: Benign for Familial encephalopathy with neuroserpin inclusion bodies. Last evaluated: 2026-02-03. Review status: criteria provided, single submitter. Criteria: Invitae Variant Classification Sherloc (09022015). Collection method: clinical testing. Allele origin: germline.

Blueprint Genetics
Classification: Benign. Last evaluated: 2024-11-26. Review status: criteria provided, single submitter. Criteria: ACMG Guidelines, 2015. Collection method: clinical testing. Allele origin: germline.

GeneDx
Classification: Benign. Last evaluated: 2021-05-05. Review status: criteria provided, single submitter. Criteria: GeneDx Variant Classification Process June 2021. Collection method: clinical testing. Allele origin: germline. Affected: yes.

Mayo Clinic Laboratories, Mayo Clinic
Classification: Benign. Last evaluated: 2018-04-10. Review status: criteria provided, single submitter. Criteria: ACMG Guidelines, 2015. Collection method: clinical testing. Allele origin: germline. Observed: 134 variant alleles.

Illumina Laboratory Services, Illumina
Classification: Benign for Familial encephalopathy with neuroserpin inclusion bodies. Last evaluated: 2018-01-13. Review status: criteria provided, single submitter. Criteria: ICSL Variant Classification Criteria 13 December 2019. Collection method: clinical testing. Allele origin: germline.
Comment: This variant was observed in the ICSL laboratory as part of a predisposition screen in an ostensibly healthy population. It had not been previously curated by ICSL or reported in the Human Gene Mutation Database (HGMD: prior to June 1st, 2018), and was therefore a candidate for classification through an automated scoring system. Utilizing variant allele frequency, disease prevalence and penetrance estimates, and inheritance mode, an automated score was calculated to assess if this variant is too frequent to cause the disease. Based on the score and internal cut-off values, a variant classified as benign is not then subjected to further curation. The score for this variant resulted in a classification of benign for this disease.

Breakthrough Genomics
Classification: Benign. Review status: criteria provided, single submitter. Criteria: ACMG Guidelines, 2015. Collection method: not provided. Allele origin: germline. Inheritance: Autosomal dominant inheritance. Affected: yes.

Clinical Genetics DNA and cytogenetics Diagnostics Lab, Erasmus MC, Erasmus Medical Center
Classification: Benign. Review status: no assertion criteria provided. Collection method: clinical testing. Allele origin: germline. Affected: yes. Study: VKGL Data-share Consensus. Not counted in ClinVar's aggregate classification.

Genome Diagnostics Laboratory, Amsterdam University Medical Center
Classification: Benign. Review status: no assertion criteria provided. Collection method: clinical testing. Allele origin: germline. Affected: yes. Study: VKGL Data-share Consensus. Not counted in ClinVar's aggregate classification.

NM_001122752.2(SERPINI1):c.576G>A (p.Ser192=)

Gene: SERPINI1 (serpin family I member 1; plus strand). Cytogenetic location: 3q26.1.
Variant type: single nucleotide variant.
Coding change: c.576G>A on transcript NM_001122752.2 (MANE Select); coding-DNA position 576, G replaced by A.
Protein change: p.Ser192=; no amino-acid change (serine 192 retained).
Molecular consequence: synonymous variant.
Genome position (GRCh38, 1-based): chr3:167,792,684, G>A. VCF-style: chr3-167792684-G-A. GRCh37 (hg19) VCF-style: chr3-167510472-G-A.
Other names: p.Ser192=; c.576G>A, p.Ser192= (NM_005025.5).
Identifiers: ClinVar variation 344130 (VCV000344130.21), dbSNP rs2229697, ClinGen allele CA2694839.